The following is an entry in ClinVar:

ClinVar aggregate classification (germline): Benign/Likely benign. Review status: criteria provided, multiple submitters, no conflicts (2 of 4 stars). 3 submissions from 3 submitters: Benign (2); Likely benign (1). Last evaluated 2024-11-15.

Allele frequency attached by ClinVar (database versions not stated): 1000 Genomes Project 0.00060; 1000 Genomes Project 30x 0.00094; TOPMed 0.00269; gnomAD 0.00371; ExAC 0.00432.
gnomAD v4.1: 5,113 of 1,337,898 alleles (0.38%); highest among the groups gnomAD compares: Non-Finnish European, 0.42%; 18 homozygotes.

Submissions (3):

Blueprint Genetics
Classification: Likely benign. Last evaluated: 2024-11-15. Review status: criteria provided, single submitter. Criteria: ACMG Guidelines, 2015. Collection method: clinical testing. Allele origin: germline.

GeneDx
Classification: Benign. Last evaluated: 2018-02-15. Review status: criteria provided, single submitter. Criteria: GeneDx Variant Classification (06012015). Collection method: clinical testing. Allele origin: germline. Affected: yes.
Comment: This variant is considered likely benign or benign based on one or more of the following criteria: it is a conservative change, it occurs at a poorly conserved position in the protein, it is predicted to be benign by multiple in silico algorithms, and/or has population frequency not consistent with disease.

Breakthrough Genomics
Classification: Benign. Review status: criteria provided, single submitter. Criteria: ACMG Guidelines, 2015. Collection method: not provided. Allele origin: germline. Inheritance: Autosomal recessive inheritance. Affected: yes.

NM_016417.3(GLRX5):c.-17C>A

Gene: GLRX5 (glutaredoxin 5; plus strand). Cytogenetic location: 14q32.13.
Variant type: single nucleotide variant.
Coding change: c.-17C>A on transcript NM_016417.3 (MANE Select); 17 bases upstream of the start codon, C replaced by A.
Molecular consequence: 5 prime UTR variant.
Genome position (GRCh38, 1-based): chr14:95,535,073, C>A. VCF-style: chr14-95535073-C-A. GRCh37 (hg19) VCF-style: chr14-96001410-C-A.
Identifiers: ClinVar variation 381201 (VCV000381201.3), dbSNP rs555474190, ClinGen allele CA7333870.